The following is an entry in ClinVar:

ClinVar aggregate classification (germline): Uncertain significance. Review status: criteria provided, multiple submitters, no conflicts (2 of 4 stars). 5 submissions from 4 submitters: Uncertain significance (5). Last evaluated 2025-12-22.

Conditions:
Inborn genetic diseases. Identifiers: MedGen C0950123, MeSH D030342.
Intellectual disability. Also called: intellectual disabilities; Intellectual developmental disorder; Intellectual functioning disability. Identifiers: MedGen C3714756, MeSH D008607, MONDO:0001071, HP:0001249.
Seizure. Also called: Seizures. Identifiers: MedGen C0036572, HP:0001250.
Neurodevelopmental disorder with movement abnormalities, abnormal gait, and autistic features. Identifiers: MedGen C4693405, MONDO:0060642, OMIM 617865.

Allele frequency attached by ClinVar (database versions not stated): gnomAD 0.00001; TOPMed 0.00003; gnomAD exomes below 0.00001.
gnomAD v4.1: 19 of 1,551,242 alleles (0.0012%); highest among the groups gnomAD compares: Admixed American, 0.0039%; no homozygotes.

Submissions (5):

Ambry Genetics
Classification: Uncertain significance for Inborn genetic diseases. Last evaluated: 2025-12-22. Review status: criteria provided, single submitter. Criteria: Ambry Variant Classification Scheme 2023. Collection method: clinical testing. Allele origin: germline.

Mendelics
Classification: Uncertain significance. Last evaluated: 2022-05-04. Review status: criteria provided, single submitter. Criteria: Mendelics Assertion Criteria 2019. Collection method: clinical testing. Allele origin: germline.

Labcorp Genetics (formerly Invitae), Labcorp
Classification: Uncertain significance. Last evaluated: 2022-03-18. Review status: criteria provided, single submitter. Criteria: Invitae Variant Classification Sherloc (09022015). Collection method: clinical testing. Allele origin: germline.
Comment: This sequence change replaces glutamic acid, which is acidic and polar, with lysine, which is basic and polar, at codon 853 of the ZSWIM6 protein (p.Glu853Lys). This variant is not present in population databases (gnomAD no frequency). This variant has not been reported in the literature in individuals affected with ZSWIM6-related conditions. ClinVar contains an entry for this variant (Variation ID: 978096). Algorithms developed to predict the effect of missense changes on protein structure and function (SIFT, PolyPhen-2, Align-GVGD) all suggest that this variant is likely to be tolerated. In summary, the available evidence is currently insufficient to determine the role of this variant in disease. Therefore, it has been classified as a Variant of Uncertain Significance.

New York Genome Center
Classification: Uncertain significance for Neurodevelopmental disorder with movement abnormalities, abnormal gait, and autistic features. Last evaluated: 2021-05-17. Review status: criteria provided, single submitter. Criteria: NYGC Assertion Criteria 2020. Collection method: clinical testing. Allele origin: inherited, germline. Observed: 2 heterozygotes. Clinical features observed: Seizure (HP:0001250), Motor delay (HP:0001270), Intellectual disability (HP:0001249). Study: CSER-NYCKidSeq.

New York Genome Center
Classification: Uncertain significance for Seizure; Intellectual disability. Last evaluated: 2019-12-02. Review status: criteria provided, single submitter. Criteria: NYGC Assertion Criteria 2020. Collection method: clinical testing. Allele origin: germline. Affected: yes. Observed: 1 heterozygote. Study: CSER-NYCKidSeq.

NM_020928.2(ZSWIM6):c.2557G>A (p.Glu853Lys)

Gene: ZSWIM6 (zinc finger SWIM-type containing 6; plus strand). Cytogenetic location: 5q12.1.
Variant type: single nucleotide variant.
Coding change: c.2557G>A on transcript NM_020928.2 (MANE Select); coding-DNA position 2557, G replaced by A.
Protein change: p.Glu853Lys; replaces glutamic acid 853 with lysine.
Molecular consequence: missense variant.
Genome position (GRCh38, 1-based): chr5:61,539,613, G>A. VCF-style: chr5-61539613-G-A. GRCh37 (hg19) VCF-style: chr5-60835440-G-A.
Other names: short protein forms E853K.
Identifiers: ClinVar variation 978096 (VCV000978096.16), dbSNP rs748121822, ClinGen allele CA119663859.
Genomic context (GRCh38, chr5:61,539,613, plus strand): 5'-TGCTTTGATTTGGTTTGGTTTGGTTTTCCCTTGTTCATTGCAGGCGATGTTCGGAGGCTG[G>A]AAACAGTATTAGAATCCATCCAGAAAAACATTCACTCCTCATCACACATCTTCAAGCTTG-3'
Protein context (NP_065979.1, residues 843-863): TAAKGDVRRL[Glu853Lys]TVLESIQKNI